The following is an entry in ClinVar:

ClinVar aggregate classification (germline): Uncertain significance. Review status: criteria provided, multiple submitters, no conflicts (2 of 4 stars). 2 submissions from 2 submitters: Uncertain significance (2). Last evaluated 2025-06-27.

Conditions:
Catecholaminergic polymorphic ventricular tachycardia (CVPT). Also called: Catecholamine-induced polymorphic ventricular tachycardia. Identifiers: Orphanet 3286, MedGen C5574922, MONDO:0017990.
Catecholaminergic polymorphic ventricular tachycardia 1. Also called: VENTRICULAR TACHYCARDIA, CATECHOLAMINERGIC POLYMORPHIC, 1, WITH OR WITHOUT ATRIAL DYSFUNCTION AND/OR DILATED CARDIOMYOPATHY; RYR2-Related Catecholaminergic Polymorphic Ventricular Tachycardia; VENTRICULAR TACHYCARDIA, STRESS-INDUCED POLYMORPHIC 1. Identifiers: Orphanet 3286, MedGen C1631597, MONDO:0011484, OMIM 604772.

Allele frequency attached by ClinVar (database versions not stated): gnomAD exomes below 0.00001; gnomAD 0.00001.
gnomAD v4.1: 2 of 1,591,538 alleles (0.00013%); highest among the groups gnomAD compares: Non-Finnish European, 0.00017%; no homozygotes.

Submissions (2):

Labcorp Genetics (formerly Invitae), Labcorp
Classification: Uncertain significance for Catecholaminergic polymorphic ventricular tachycardia 1. Last evaluated: 2025-06-27. Review status: criteria provided, single submitter. Criteria: Invitae Variant Classification Sherloc (09022015). Collection method: clinical testing. Allele origin: germline.
Comment: This sequence change replaces isoleucine, which is neutral and non-polar, with threonine, which is neutral and polar, at codon 3284 of the RYR2 protein (p.Ile3284Thr). This variant is present in population databases (no rsID available, gnomAD 0.03%). This variant has not been reported in the literature in individuals affected with RYR2-related conditions. ClinVar contains an entry for this variant (Variation ID: 3074838). Invitae Evidence Modeling of protein sequence and biophysical properties (such as structural, functional, and spatial information, amino acid conservation, physicochemical variation, residue mobility, and thermodynamic stability) has been performed for this missense variant. However, the output from this modeling did not meet the statistical confidence thresholds required to predict the impact of this variant on RYR2 protein function. In summary, the available evidence is currently insufficient to determine the role of this variant in disease. Therefore, it has been classified as a Variant of Uncertain Significance.

All of Us Research Program, National Institutes of Health
Classification: Uncertain significance for Catecholaminergic polymorphic ventricular tachycardia. Last evaluated: 2023-12-13. Review status: criteria provided, single submitter. Criteria: ACMG Guidelines, 2015. Collection method: clinical testing. Allele origin: germline. Inheritance: Autosomal dominant inheritance. Observed: 1 variant allele, 1 heterozygote.
Comment: This missense variant replaces isoleucine with threonine at codon 3284 of the RYR2 protein. Computational prediction suggests that this variant may have deleterious impact on protein structure and function (internally defined REVEL score threshold >= 0.7, PMID: 27666373). To our knowledge, functional studies have not been reported for this variant. This variant has not been reported in individuals affected with RYR2-related disorders in the literature. This variant has been identified in 4/31396 chromosomes in the general population by the Genome Aggregation Database (gnomAD). The available evidence is insufficient to determine the role of this variant in disease conclusively. Therefore, this variant is classified as a Variant of Uncertain Significance.

This study involves interpretation of variants in research participants for the purpose of population health screening. Participant phenotype was not available at the time of variant classification. Additional details can be found in publication PMID: 35346344, PMCID: PMC8962531

NM_001035.3(RYR2):c.9851T>C (p.Ile3284Thr)

Gene: RYR2 (ryanodine receptor 2; plus strand). Cytogenetic location: 1q43.
Variant type: single nucleotide variant.
Coding change: c.9851T>C on transcript NM_001035.3 (MANE Select); coding-DNA position 9851, T replaced by C.
Protein change: p.Ile3284Thr; replaces isoleucine 3284 with threonine.
Molecular consequence: missense variant.
Genome position (GRCh38, 1-based): chr1:237,707,219, T>C. VCF-style: chr1-237707219-T-C. GRCh37 (hg19) VCF-style: chr1-237870519-T-C.
Other names: short protein forms I3284T.
Identifiers: ClinVar variation 3074838 (VCV003074838.2), dbSNP rs1404057404, ClinGen allele CA345409362.